The following is an entry in ClinVar:

NM_000238.4(KCNH2):c.2592+6T>C

Gene: KCNH2 (potassium voltage-gated channel subfamily H member 2; minus strand). Cytogenetic location: 7q36.1.
Variant type: single nucleotide variant.
Coding change: c.2592+6T>C on transcript NM_000238.4 (MANE Select); 6 bases into the intron after coding-DNA position 2592, T replaced by C.
Molecular consequence: intron variant.
Genome position (GRCh38, 1-based): chr7:150,948,850, A>G on the plus strand (T>C on the coding strand, the complement: KCNH2 is on the minus strand). VCF-style: chr7-150948850-A-G. GRCh37 (hg19) VCF-style: chr7-150645938-A-G.
Other names: c.2304+6T>C (NM_001406753.1); c.1572+6T>C (NM_172057.3).
Identifiers: ClinVar variation 3894137 (VCV003894137.1).

ClinVar aggregate classification (germline): Uncertain significance (1 of 4 stars; one submission).

Conditions:
Cardiac arrhythmia. Also called: Cardiac rhythm disease; Arrhythmia. Identifiers: MedGen C0003811, MONDO:0007263, HP:0011675.

gnomAD v4.1: 1 of 1,613,988 alleles (0.000062%); highest among the groups gnomAD compares: Non-Finnish European, 0.000085%; no homozygotes.

Submission:

Color Diagnostics, LLC DBA Color Health
Classification: Uncertain significance for Cardiac arrhythmia. Last evaluated: 2024-10-15. Review status: criteria provided, single submitter. Criteria: ACMG Guidelines, 2015. Collection method: clinical testing. Allele origin: germline.
Comment: This variant causes a T to C nucleotide substitution at the +6 position of intron 10/14 of the KCNH2 gene. To our knowledge, functional studies have not been reported for this variant. This variant has not been reported in individuals affected with KCNH2-related disorders in the literature. This variant has not been identified in the general population by the Genome Aggregation Database (gnomAD). The available evidence is insufficient to determine the role of this variant in disease conclusively. Therefore, this variant is classified as a Variant of Uncertain Significance.